The following is an entry in ClinVar:

NM_032383.5(HPS3):c.1202C>T (p.Ala401Val)

Gene: HPS3 (HPS3 biogenesis of lysosomal organelles complex 2 subunit 1; plus strand). Cytogenetic location: 3q24.
Variant type: single nucleotide variant.
Coding change: c.1202C>T on transcript NM_032383.5 (MANE Select); coding-DNA position 1202, C replaced by T.
Protein change: p.Ala401Val; replaces alanine 401 with valine.
Molecular consequence: missense variant.
Genome position (GRCh38, 1-based): chr3:149,150,637, C>T. VCF-style: chr3-149150637-C-T. GRCh37 (hg19) VCF-style: chr3-148868424-C-T.
Other names: c.707C>T, p.Ala236Val (NM_001308258.2); c.1202C>T (NM_032383.3, NM_032383.4); short protein forms A401V, A236V.
Identifiers: ClinVar variation 2201904 (VCV002201904.5), dbSNP rs142082044, ClinGen allele CA2660031.

ClinVar aggregate classification (germline): Uncertain significance. Review status: criteria provided, multiple submitters, no conflicts (2 of 4 stars). 3 submissions from 3 submitters: Uncertain significance (3). Last evaluated 2026-06-22.

Conditions:
HPS3-related disorder. Also called: HPS3-related condition.
Inborn genetic diseases. Identifiers: MedGen C0950123, MeSH D030342.

Allele frequency attached by ClinVar (database versions not stated): gnomAD exomes 0.00002; ExAC 0.00005; gnomAD 0.00006; ESP Exome Variant Server 0.00015; 1000 Genomes Project 30x 0.00016; 1000 Genomes Project 0.00020.
gnomAD v4.1: 43 of 1,614,082 alleles (0.0027%); highest among the groups gnomAD compares: Middle Eastern, 0.017%; no homozygotes.

Submissions (3):

PreventionGenetics, part of Exact Sciences
Classification: Uncertain significance for HPS3-related condition. Last evaluated: 2026-06-22. Review status: criteria provided, single submitter. Criteria: ACMG Guidelines, 2015. Collection method: clinical testing. Allele origin: germline.
Comment: The HPS3 c.1202C>T variant is predicted to result in the amino acid substitution p.Ala401Val. To our knowledge, this variant has not been reported in the literature. This variant is present in 0.0062% of alleles in individuals of European (Non-Finnish) descent in gnomAD. At this time, the clinical significance of this variant is uncertain due to the absence of conclusive functional and genetic evidence.

Ambry Genetics
Classification: Uncertain significance for Inborn genetic diseases. Last evaluated: 2025-10-29. Review status: criteria provided, single submitter. Criteria: Ambry Variant Classification Scheme 2023. Collection method: clinical testing. Allele origin: germline.

Labcorp Genetics (formerly Invitae), Labcorp
Classification: Uncertain significance. Last evaluated: 2022-05-12. Review status: criteria provided, single submitter. Criteria: Invitae Variant Classification Sherloc (09022015). Collection method: clinical testing. Allele origin: germline.
Comment: This sequence change replaces alanine, which is neutral and non-polar, with valine, which is neutral and non-polar, at codon 401 of the HPS3 protein (p.Ala401Val). This variant is present in population databases (rs142082044, gnomAD 0.005%). This variant has not been reported in the literature in individuals affected with HPS3-related conditions. Algorithms developed to predict the effect of missense changes on protein structure and function (SIFT, PolyPhen-2, Align-GVGD) all suggest that this variant is likely to be tolerated. In summary, the available evidence is currently insufficient to determine the role of this variant in disease. Therefore, it has been classified as a Variant of Uncertain Significance.